The following is an entry in ClinVar:

ClinVar aggregate classification (germline): Uncertain significance (1 of 4 stars; one submission).

Submission:

Labcorp Genetics (formerly Invitae), Labcorp
Classification: Uncertain significance. Last evaluated: 2022-07-06. Review status: criteria provided, single submitter. Criteria: Invitae Variant Classification Sherloc (09022015). Collection method: clinical testing. Allele origin: germline.
Comment: In summary, the available evidence is currently insufficient to determine the role of this variant in disease. Therefore, it has been classified as a Variant of Uncertain Significance. Algorithms developed to predict the effect of missense changes on protein structure and function are either unavailable or do not agree on the potential impact of this missense change (SIFT: "Deleterious"; PolyPhen-2: "Probably Damaging"; Align-GVGD: "Class C15"). ClinVar contains an entry for this variant (Variation ID: 1499188). This variant has not been reported in the literature in individuals affected with ADGRV1-related conditions. This variant is not present in population databases (gnomAD no frequency). This sequence change replaces serine, which is neutral and polar, with cysteine, which is neutral and slightly polar, at codon 2713 of the ADGRV1 protein (p.Ser2713Cys).

NM_032119.4(ADGRV1):c.8138C>G (p.Ser2713Cys)

Gene: ADGRV1 (adhesion G protein-coupled receptor V1; plus strand). Cytogenetic location: 5q14.3.
Variant type: single nucleotide variant.
Coding change: c.8138C>G on transcript NM_032119.4 (MANE Select); coding-DNA position 8138, C replaced by G.
Protein change: p.Ser2713Cys; replaces serine 2713 with cysteine.
Molecular consequence: missense variant. On other transcripts: non-coding transcript variant (1).
Genome position (GRCh38, 1-based): chr5:90,697,129, C>G. VCF-style: chr5-90697129-C-G. GRCh37 (hg19) VCF-style: chr5-89992946-C-G.
Other names: short protein forms S2713C.
Identifiers: ClinVar variation 1499188 (VCV001499188.8), dbSNP rs2149657563, ClinGen allele CA360386145.
Genomic context (GRCh38, chr5:90,697,129, plus strand): 5'-TGAACATTTTGGCCAATGACAATGTGGCAGGAATTGTTAGCTTTCAGACAGCTTCCAGAT[C>G]TGTCATAGGTCATGAAGGTGGGTTCCTTTTTTTGTTAAGCATATTCATTTTCTTTTCTAT-3'
Protein context (NP_115495.3, residues 2703-2723): GIVSFQTASR[Ser2713Cys]VIGHEGEILQ